The following is an entry in ClinVar:

NM_001374353.1(GLI2):c.2175T>G (p.Asp725Glu)

Gene: GLI2 (GLI family zinc finger 2; plus strand). Cytogenetic location: 2q14.2.
Variant type: single nucleotide variant.
Coding change: c.2175T>G on transcript NM_001374353.1 (MANE Select); coding-DNA position 2175, T replaced by G.
Protein change: p.Asp725Glu; replaces aspartic acid 725 with glutamic acid.
Molecular consequence: missense variant.
Genome position (GRCh38, 1-based): chr2:120,986,547, T>G. VCF-style: chr2-120986547-T-G. GRCh37 (hg19) VCF-style: chr2-121744123-T-G.
Other names: c.1800T>G, p.Asp600Glu (NM_001374354.1); c.2226T>G, p.Asp742Glu (NM_001371271.1, NM_005270.5); c.2226T>G (NM_005270.4); short protein forms D600E, D725E, D742E.
Identifiers: ClinVar variation 3762085 (VCV003762085.3).

ClinVar aggregate classification (germline): Uncertain significance. Review status: criteria provided, multiple submitters, no conflicts (2 of 4 stars). 2 submissions from 2 submitters: Uncertain significance (2). Last evaluated 2024-09-12.

Conditions:
Holoprosencephaly 9 (HPE9). Also called: PITUITARY ANOMALIES WITH HOLOPROSENCEPHALY-LIKE FEATURES; HOLOPROSENCEPHALY WITH MICROPHTHALMIA AND FIRST BRANCHIAL ARCH ANOMALIES. Identifiers: Orphanet 2162, MedGen C1835819, MONDO:0012563, OMIM 610829.
Postaxial polydactyly-anterior pituitary anomalies-facial dysmorphism syndrome. Also called: Culler-Jones syndrome. Identifiers: Orphanet 420584, MedGen C4014479, MONDO:0014369, OMIM 615849.

gnomAD v4.1: 2 of 1,614,134 alleles (0.00012%); highest among the groups gnomAD compares: African/African-American, 0.0027%; no homozygotes.

Submissions (2):

GeneDx
Classification: Uncertain significance. Last evaluated: 2024-09-12. Review status: criteria provided, single submitter. Criteria: GeneDx Variant Classification Process June 2021. Collection method: clinical testing. Allele origin: germline. Affected: yes.
Comment: Not observed at significant frequency in large population cohorts (gnomAD); In silico analysis supports that this missense variant has a deleterious effect on protein structure/function; Has not been previously published as pathogenic or benign to our knowledge

Labcorp Genetics (formerly Invitae), Labcorp
Classification: Uncertain significance for Postaxial polydactyly-anterior pituitary anomalies-facial dysmorphism syndrome; Holoprosencephaly 9. Last evaluated: 2024-03-07. Review status: criteria provided, single submitter. Criteria: Invitae Variant Classification Sherloc (09022015). Collection method: clinical testing. Allele origin: germline.
Comment: This sequence change replaces aspartic acid, which is acidic and polar, with glutamic acid, which is acidic and polar, at codon 742 of the GLI2 protein (p.Asp742Glu). This variant is not present in population databases (gnomAD no frequency). This variant has not been reported in the literature in individuals affected with GLI2-related conditions. Advanced modeling of protein sequence and biophysical properties (such as structural, functional, and spatial information, amino acid conservation, physicochemical variation, residue mobility, and thermodynamic stability) performed at Invitae indicates that this missense variant is not expected to disrupt GLI2 protein function with a negative predictive value of 80%. In summary, the available evidence is currently insufficient to determine the role of this variant in disease. Therefore, it has been classified as a Variant of Uncertain Significance.